The following is an entry in ClinVar:

NM_020800.3(IFT80):c.1052C>T (p.Thr351Met)

Genes: IFT80 (intraflagellar transport 80; minus strand), TRIM59-IFT80 (TRIM59-IFT80 readthrough (NMD candidate); minus strand). Cytogenetic location: 3q25.33.
Variant type: single nucleotide variant.
Coding change: c.1052C>T on transcript NM_020800.3 (MANE Select); coding-DNA position 1052, C replaced by T.
Protein change: p.Thr351Met; replaces threonine 351 with methionine.
Molecular consequence: missense variant. On other transcripts: non-coding transcript variant (3).
Genome position (GRCh38, 1-based): chr3:160,307,687, G>A on the plus strand (C>T on the coding strand, the complement: IFT80 is on the minus strand). VCF-style: chr3-160307687-G-A. GRCh37 (hg19) VCF-style: chr3-160025475-G-A.
Other names: c.641C>T, p.Thr214Met (NM_001190241.2, NM_001190242.2); short protein forms T351M, T214M.
Identifiers: ClinVar variation 942970 (VCV000942970.5), dbSNP rs199778285, ClinGen allele CA2685281.
Genomic context (GRCh38, chr3:160,307,687, plus strand): 5'-AAAACTCTGAAATTTTAAGAAATGCAAGATGCTTACGAGAACACGTAACATTGAAGAGAC[G>A]TTGAAACAACTAAGTGTGCATAGTTCAAAGATGCTTTAATGACTCTATCACGGAATTCCA-3'
Protein context (NP_065851.1, residues 341-361): SLNYAHLVVS[Thr351Met]SLQCYVFSTK

ClinVar aggregate classification (germline): Uncertain significance. Review status: criteria provided, multiple submitters, no conflicts (2 of 4 stars). 3 submissions from 3 submitters: Uncertain significance (3). Last evaluated 2024-01-30.

Conditions:
Jeune thoracic dystrophy. Also called: Jeune syndrome; Infantile thoracic dystrophy; Thoracic pelvic phalangeal dystrophy; Jeune's syndrome; Chondroectodermal dysplasia-like syndrome; Short-rib thoracic dysplasia. Identifiers: Orphanet 474, MedGen C0265275, MONDO:0018770.
Inborn genetic diseases. Identifiers: MedGen C0950123, MeSH D030342.
Asphyxiating thoracic dystrophy 2 (SRTD2). Also called: SHORT-RIB THORACIC DYSPLASIA 2 WITH POLYDACTYLY; SHORT-RIB THORACIC DYSPLASIA 2 WITHOUT POLYDACTYLY; SHORT-RIB THORACIC DYSPLASIA 2 WITH OR WITHOUT POLYDACTYLY. Identifiers: Orphanet 474, MedGen C1970005, MONDO:0012644, OMIM 611263.

Allele frequency attached by ClinVar (database versions not stated): ExAC 0.00002; gnomAD exomes 0.00005; gnomAD 0.00008 and 0.00009; TOPMed 0.00017.

Submissions (3):

Ambry Genetics
Classification: Uncertain significance for Inborn genetic diseases. Last evaluated: 2024-01-30. Review status: criteria provided, single submitter. Criteria: Ambry Variant Classification Scheme 2023. Collection method: clinical testing. Allele origin: germline.

Fulgent Genetics
Classification: Uncertain significance for Asphyxiating thoracic dystrophy 2. Last evaluated: 2024-01-15. Review status: criteria provided, single submitter. Criteria: ACMG Guidelines, 2015. Collection method: clinical testing. Allele origin: germline.

Labcorp Genetics (formerly Invitae), Labcorp
Classification: Uncertain significance for Jeune thoracic dystrophy. Last evaluated: 2022-09-01. Review status: criteria provided, single submitter. Criteria: Invitae Variant Classification Sherloc (09022015). Collection method: clinical testing. Allele origin: germline.
Comment: This sequence change replaces threonine, which is neutral and polar, with methionine, which is neutral and non-polar, at codon 351 of the IFT80 protein (p.Thr351Met). This variant is present in population databases (rs199778285, gnomAD 0.02%). This variant has not been reported in the literature in individuals affected with IFT80-related conditions. ClinVar contains an entry for this variant (Variation ID: 942970). Algorithms developed to predict the effect of missense changes on protein structure and function (SIFT, PolyPhen-2, Align-GVGD) all suggest that this variant is likely to be disruptive. Algorithms developed to predict the effect of sequence changes on RNA splicing suggest that this variant may disrupt the consensus splice site. In summary, the available evidence is currently insufficient to determine the role of this variant in disease. Therefore, it has been classified as a Variant of Uncertain Significance.